The following is an entry in ClinVar:

ClinVar aggregate classification (germline): Uncertain significance. Review status: criteria provided, multiple submitters, no conflicts (2 of 4 stars). 2 submissions from 2 submitters: Uncertain significance (2). Last evaluated 2024-01-15.

Conditions:
Familial cancer of breast. Also called: hereditary breast carcinoma; Hereditary breast cancer; BREAST CANCER, FAMILIAL. Identifiers: Orphanet 227535, MedGen C0346153, MONDO:0016419, OMIM 114480. Disease mechanism: loss of function.

Submissions (2):

Baylor Genetics
Classification: Uncertain significance for Familial cancer of breast. Last evaluated: 2024-01-15. Review status: criteria provided, single submitter. Criteria: ACMG Guidelines, 2015. Collection method: clinical testing. Allele origin: unknown.

Labcorp Genetics (formerly Invitae), Labcorp
Classification: Uncertain significance for Familial cancer of breast. Last evaluated: 2023-01-18. Review status: criteria provided, single submitter. Criteria: Invitae Variant Classification Sherloc (09022015). Collection method: clinical testing. Allele origin: germline.
Comment: This sequence change replaces isoleucine, which is neutral and non-polar, with leucine, which is neutral and non-polar, at codon 248 of the CHEK2 protein (p.Ile248Leu). This variant is not present in population databases (gnomAD no frequency). This variant has not been reported in the literature in individuals affected with CHEK2-related conditions. ClinVar contains an entry for this variant (Variation ID: 1345711). Algorithms developed to predict the effect of missense changes on protein structure and function (SIFT, PolyPhen-2, Align-GVGD) all suggest that this variant is likely to be tolerated. In summary, the available evidence is currently insufficient to determine the role of this variant in disease. Therefore, it has been classified as a Variant of Uncertain Significance.

NM_007194.4(CHEK2):c.742A>T (p.Ile248Leu)

Gene: CHEK2 (checkpoint kinase 2; minus strand). Cytogenetic location: 22q12.1.
Variant type: single nucleotide variant.
Coding change: c.742A>T on transcript NM_007194.4 (MANE Select); coding-DNA position 742, A replaced by T.
Protein change: p.Ile248Leu; replaces isoleucine 248 with leucine.
Molecular consequence: missense variant.
Genome position (GRCh38, 1-based): chr22:28,711,959, T>A on the plus strand (A>T on the coding strand, the complement: CHEK2 is on the minus strand). VCF-style: chr22-28711959-T-A. GRCh37 (hg19) VCF-style: chr22-29107947-T-A.
Other names: c.871A>T, p.Ile291Leu (NM_001005735.3); c.79A>T, p.Ile27Leu (NM_001257387.3); c.541A>T, p.Ile181Leu (NM_001349956.3); c.742A>T, p.Ile248Leu (NM_145862.3); short protein forms I248L, I181L, I291L, I27L.
Identifiers: ClinVar variation 1345711 (VCV001345711.8), dbSNP rs779457035, ClinGen allele CA411103258.